The following is an entry in ClinVar:

ClinVar aggregate classification (germline): Uncertain significance (1 of 4 stars; one submission).

Conditions:
Epilepsy, progressive myoclonic, 1B. Also called: PME. Identifiers: Orphanet 308, MedGen C2676254, MONDO:0012904, OMIM 612437.

gnomAD v4.1: 9 of 1,613,968 alleles (0.00056%); highest among the groups gnomAD compares: African/African-American, 0.0067%; no homozygotes.

Submission:

Labcorp Genetics (formerly Invitae), Labcorp
Classification: Uncertain significance for Epilepsy, progressive myoclonic, 1B. Last evaluated: 2025-06-16. Review status: criteria provided, single submitter. Criteria: Invitae Variant Classification Sherloc (09022015). Collection method: clinical testing. Allele origin: germline.
Comment: This sequence change replaces aspartic acid, which is acidic and polar, with asparagine, which is neutral and polar, at codon 740 of the PRICKLE1 protein (p.Asp740Asn). This variant is present in population databases (no rsID available, gnomAD 0.005%). This variant has not been reported in the literature in individuals affected with PRICKLE1-related conditions. ClinVar contains an entry for this variant (Variation ID: 2421758). Invitae Evidence Modeling of protein sequence and biophysical properties (such as structural, functional, and spatial information, amino acid conservation, physicochemical variation, residue mobility, and thermodynamic stability) indicates that this missense variant is not expected to disrupt PRICKLE1 protein function with a negative predictive value of 80%. In summary, the available evidence is currently insufficient to determine the role of this variant in disease. Therefore, it has been classified as a Variant of Uncertain Significance.

NM_153026.3(PRICKLE1):c.2218G>A (p.Asp740Asn)

Gene: PRICKLE1 (prickle planar cell polarity protein 1; minus strand). Cytogenetic location: 12q12.
Variant type: single nucleotide variant.
Coding change: c.2218G>A on transcript NM_153026.3 (MANE Select); coding-DNA position 2218, G replaced by A.
Protein change: p.Asp740Asn; replaces aspartic acid 740 with asparagine.
Molecular consequence: missense variant.
Genome position (GRCh38, 1-based): chr12:42,460,087, C>T on the plus strand (G>A on the coding strand, the complement: PRICKLE1 is on the minus strand). VCF-style: chr12-42460087-C-T. GRCh37 (hg19) VCF-style: chr12-42853889-C-T.
Other names: c.2218G>A, p.Asp740Asn (NM_001144881.2, NM_001144882.2, NM_001144883.2); short protein forms D740N.
Identifiers: ClinVar variation 2421758 (VCV002421758.6), dbSNP rs760738396, ClinGen allele CA384439950.